The following is an entry in ClinVar:

NM_000368.5(TSC1):c.1172del (p.Pro391fs)

Gene: TSC1 (TSC complex subunit 1; minus strand). Cytogenetic location: 9q34.13.
Variant type: Deletion.
Coding change: c.1172del on transcript NM_000368.5 (MANE Select); coding-DNA position 1172, one base deleted (C; older notation c.1172delC).
Protein change: p.Pro391fs; shifts the reading frame from proline 391.
Molecular consequence: frameshift variant.
Genome position (GRCh38, 1-based): chr9:132,910,662, G deleted on the plus strand (C on the coding strand, the reverse complement: TSC1 is on the minus strand); the first of 4 consecutive G bases (chr9:132,910,662-132,910,665); deleting any one gives the same sequence. VCF-style (leftmost placement, unchanged base first): chr9-132910661-TG-T. GRCh37 (hg19) VCF-style: chr9-135786048-TG-T.
Other names: c.1169del, p.Pro390fs (NM_001162426.2); c.1019del, p.Pro340fs (NM_001162427.2); c.809del, p.Pro270fs (NM_001362177.2); short protein forms P340fs, P270fs, P391fs, P390fs.
Identifiers: ClinVar variation 1434587 (VCV001434587.6), dbSNP rs2131945572, ClinGen allele CA2573144210.

ClinVar aggregate classification (germline): Pathogenic (1 of 4 stars; one submission).

Conditions:
Tuberous sclerosis 1 (TSC1). Identifiers: Orphanet 805, MedGen C1854465, MONDO:0008612, OMIM 191100.

Submission:

Labcorp Genetics (formerly Invitae), Labcorp
Classification: Pathogenic for Tuberous sclerosis 1. Last evaluated: 2022-04-16. Review status: criteria provided, single submitter. Criteria: Invitae Variant Classification Sherloc (09022015). Collection method: clinical testing. Allele origin: germline.
Comment: For these reasons, this variant has been classified as Pathogenic. This variant has not been reported in the literature in individuals affected with TSC1-related conditions. This variant is not present in population databases (gnomAD no frequency). This sequence change creates a premature translational stop signal (p.Pro391Glnfs*49) in the TSC1 gene. It is expected to result in an absent or disrupted protein product. Loss-of-function variants in TSC1 are known to be pathogenic (PMID: 10227394, 17304050).

Literature cited by the submitters: PubMed 10227394; PubMed 17304050.